The following is an entry in ClinVar:

ClinVar aggregate classification (germline): Uncertain significance (1 of 4 stars; one submission).

Conditions:
POLD1-related polyposis and colorectal cancer syndrome (CRCS10). Also called: Colorectal cancer 10; COLORECTAL CANCER, SUSCEPTIBILITY TO, ON CHROMOSOME 19q; Colorectal cancer, susceptibility to, 10. Identifiers: Orphanet 220460, MedGen C2675481, MONDO:0012953, OMIM 612591.

Submission:

Labcorp Genetics (formerly Invitae), Labcorp
Classification: Uncertain significance for POLD1-related polyposis and colorectal cancer syndrome. Last evaluated: 2022-06-08. Review status: criteria provided, single submitter. Criteria: Invitae Variant Classification Sherloc (09022015). Collection method: clinical testing. Allele origin: germline.
Comment: This sequence change affects codon 1047 of the POLD1 mRNA. It is a 'silent' change, meaning that it does not change the encoded amino acid sequence of the POLD1 protein. This variant is not present in population databases (gnomAD no frequency). This variant has not been reported in the literature in individuals affected with POLD1-related conditions. Algorithms developed to predict the effect of sequence changes on RNA splicing suggest that this variant may create or strengthen a splice site. In summary, the available evidence is currently insufficient to determine the role of this variant in disease. Therefore, it has been classified as a Variant of Uncertain Significance.

NM_002691.4(POLD1):c.3141G>A (p.Leu1047=)

Gene: POLD1 (DNA polymerase delta 1, catalytic subunit; plus strand). Cytogenetic location: 19q13.33.
Variant type: single nucleotide variant.
Coding change: c.3141G>A on transcript NM_002691.4 (MANE Select); coding-DNA position 3141, G replaced by A.
Protein change: p.Leu1047=; no amino-acid change (leucine 1047 retained).
Molecular consequence: synonymous variant. On other transcripts: non-coding transcript variant (1).
Genome position (GRCh38, 1-based): chr19:50,417,192, G>A. VCF-style: chr19-50417192-G-A. GRCh37 (hg19) VCF-style: chr19-50920449-G-A.
Other names: c.3141G>A, p.Leu1047= (NM_001256849.1); c.3219G>A, p.Leu1073= (NM_001308632.1).
Identifiers: ClinVar variation 2123704 (VCV002123704.4), dbSNP rs2122507131, ClinGen allele CA508186532.